The following is an entry in ClinVar:

ClinVar aggregate classification (germline): Likely pathogenic (1 of 4 stars; one submission).

Conditions:
Ethylmalonic encephalopathy (EE). Also called: EPEMA syndrome; Encephalopathy, petechiae, and ethylmalonic aciduria; Syndrome of encephalopathy, petechiae, and ethylmalonic aciduria. Identifiers: Orphanet 51188, MedGen C1865349, MONDO:0011229, OMIM 602473. Disease mechanism: loss of function.

Submission:

Natera, Inc.
Classification: Likely pathogenic for Ethylmalonic encephalopathy. Last evaluated: 2025-10-17. Review status: criteria provided, single submitter. Criteria: Natera Variant Classification Schema (03/2026). Collection method: clinical testing. Allele origin: germline.
Comment: The c.397_402delCCTGGCinsACCCTGGT variant in ETHE1 is a frameshift variant predicted to shift the reading frame beginning at codon 133 and leads to a stop codon 13 codons downstream. This variant is expected to result in nonsense mediated decay, truncation, or a dysfunctional protein product. This variant is rare in the general population with a frequency below the threshold expected for the associated phenotype(s). Given the available evidence, this variant is classified as Likely Pathogenic.

NM_014297.5(ETHE1):c.397_402delinsACCCTGGT (p.Pro133fs)

Gene: ETHE1 (ETHE1 persulfide dioxygenase; minus strand). Cytogenetic location: 19q13.31.
Variant type: Indel.
Coding change: c.397_402delinsACCCTGGT on transcript NM_014297.5 (MANE Select); coding-DNA positions 397 to 402, CCTGGC replaced by ACCCTGGT.
Protein change: p.Pro133fs; shifts the reading frame from proline 133.
Molecular consequence: frameshift variant.
Genome position (GRCh38, 1-based): chr19:43,511,540-43,511,545, GCCAGG replaced by ACCAGGGT on the plus strand (CCTGGC replaced by ACCCTGGT on the coding strand, the reverse complement: ETHE1 is on the minus strand). VCF-style: chr19-43511540-GCCAGG-ACCAGGGT. GRCh37 (hg19) VCF-style: chr19-44015692-GCCAGG-ACCAGGGT.
Other names: c.364_369delinsACCCTGGT, p.Pro122fs (NM_001320867.2); c.28_33delinsACCCTGGT, p.Pro10fs (NM_001320868.2); c.103_108delinsACCCTGGT, p.Pro35fs (NM_001320869.2); short protein forms P10fs, P122fs, P133fs, P35fs.
Identifiers: ClinVar variation 4815660 (VCV004815660.1).
Genomic context (GRCh38, chr19:43,511,540, plus strand): 5'-ATCTCCAGTGAAGGCCATGCTGTGGTCATTCAGGACGAAGGTGACACAGCCTGGGGTGTG[GCCAGG>ACCAGGGT]GCTGGCCCTGGTCTCCAACGCCTGGCAGGGGTGGAAGAGTACAGAGATAGTCACCAAGAA-3'